The following is an entry in ClinVar:

ClinVar aggregate classification (germline): Uncertain significance. Review status: criteria provided, multiple submitters, no conflicts (2 of 4 stars). 2 submissions from 2 submitters: Uncertain significance (2). Last evaluated 2025-08-20.

Conditions:
Tuberous sclerosis 2 (TSC2). Identifiers: Orphanet 805, MedGen C1860707, MONDO:0013199, OMIM 613254.
Hereditary cancer-predisposing syndrome. Also called: Hereditary Cancer Syndrome; Hereditary neoplastic syndrome; Neoplastic Syndromes, Hereditary; Tumor predisposition. Identifiers: Orphanet 140162, MedGen C0027672, MeSH D009386, MONDO:0015356.

Submissions (2):

Ambry Genetics
Classification: Uncertain significance for Hereditary cancer-predisposing syndrome. Last evaluated: 2025-08-20. Review status: criteria provided, single submitter. Criteria: Ambry Variant Classification Scheme 2023. Collection method: clinical testing. Allele origin: germline.
Comment: The p.L922W variant (also known as c.2765T>G), located in coding exon 24 of the TSC2 gene, results from a T to G substitution at nucleotide position 2765. The leucine at codon 922 is replaced by tryptophan, an amino acid with similar properties. Analysis of this variant in a transfection-based immunoblot assay showed impaired function compared to wild type (Hoogeveen-Westerveld M et al. Hum Mutat, 2011 Apr;32:424-35). This amino acid position is well conserved in available vertebrate species. In addition, the in silico prediction for this alteration is inconclusive. Based on the available evidence, the clinical significance of this variant remains unclear.

Labcorp Genetics (formerly Invitae), Labcorp
Classification: Uncertain significance for Tuberous sclerosis 2. Last evaluated: 2024-04-11. Review status: criteria provided, single submitter. Criteria: Invitae Variant Classification Sherloc (09022015). Collection method: clinical testing. Allele origin: germline.
Comment: This sequence change replaces leucine, which is neutral and non-polar, with tryptophan, which is neutral and slightly polar, at codon 922 of the TSC2 protein (p.Leu922Trp). This variant is not present in population databases (gnomAD no frequency). This variant has not been reported in the literature in individuals affected with TSC2-related conditions. Advanced modeling of protein sequence and biophysical properties (such as structural, functional, and spatial information, amino acid conservation, physicochemical variation, residue mobility, and thermodynamic stability) performed at Invitae indicates that this missense variant is not expected to disrupt TSC2 protein function with a negative predictive value of 95%. In summary, the available evidence is currently insufficient to determine the role of this variant in disease. Therefore, it has been classified as a Variant of Uncertain Significance.

Literature cited by the submitters: PubMed 21309039 (cited by Ambry Genetics).

NM_000548.5(TSC2):c.2765T>G (p.Leu922Trp)

Gene: TSC2 (TSC complex subunit 2; plus strand). Cytogenetic location: 16p13.3.
Variant type: single nucleotide variant.
Coding change: c.2765T>G on transcript NM_000548.5 (MANE Select); coding-DNA position 2765, T replaced by G.
Protein change: p.Leu922Trp; replaces leucine 922 with tryptophan.
Molecular consequence: missense variant. On other transcripts: non-coding transcript variant (5).
Genome position (GRCh38, 1-based): chr16:2,076,513, T>G. VCF-style: chr16-2076513-T-G. GRCh37 (hg19) VCF-style: chr16-2126514-T-G.
Other names: c.2618T>G, p.Leu873Trp (NM_001406676.1, NM_001406679.1, NM_001406675.1 and 1 more transcripts); c.2708T>G, p.Leu903Trp (NM_001406677.1); c.2654T>G, p.Leu885Trp (NM_001406678.1, NM_001406670.1, NM_001318827.2); c.2165T>G, p.Leu722Trp (NM_001406680.1, NM_001318831.2, NM_001406682.1 and 6 more transcripts); c.2855T>G, p.Leu952Trp (NM_001406668.1, NM_001406667.1); c.2753T>G, p.Leu918Trp (NM_001406671.1, NM_001406673.1); c.2765T>G, p.Leu922Trp (NM_001077183.3, NM_001114382.3, NM_001363528.2 and 6 more transcripts); c.2798T>G, p.Leu933Trp (NM_001318832.2); and 3 more; short protein forms L388W, L768W, L885W, L918W, L952W, L903W, L933W, L474W.
Identifiers: ClinVar variation 3637208 (VCV003637208.3).